The following is an entry in ClinVar:

ClinVar aggregate classification (germline): Uncertain significance (1 of 4 stars; one submission).

Allele frequency attached by ClinVar (database versions not stated): TOPMed below 0.00001; ExAC 0.00001; gnomAD exomes 0.00001.
gnomAD v4.1: 6 of 1,614,154 alleles (0.00037%); highest among the groups gnomAD compares: Admixed American, 0.01%; no homozygotes.

Submission:

Labcorp Genetics (formerly Invitae), Labcorp
Classification: Uncertain significance. Last evaluated: 2022-08-23. Review status: criteria provided, single submitter. Criteria: Invitae Variant Classification Sherloc (09022015). Collection method: clinical testing. Allele origin: germline.
Comment: This sequence change replaces asparagine, which is neutral and polar, with serine, which is neutral and polar, at codon 747 of the AHR protein (p.Asn747Ser). This variant is present in population databases (rs753910997, gnomAD 0.01%). This variant has not been reported in the literature in individuals affected with AHR-related conditions. Algorithms developed to predict the effect of missense changes on protein structure and function output the following: SIFT: "Tolerated"; PolyPhen-2: "Benign"; Align-GVGD: "Class C0". The serine amino acid residue is found in multiple mammalian species, which suggests that this missense change does not adversely affect protein function. Algorithms developed to predict the effect of sequence changes on RNA splicing suggest that this variant may create or strengthen a splice site. In summary, the available evidence is currently insufficient to determine the role of this variant in disease. Therefore, it has been classified as a Variant of Uncertain Significance.

NM_001621.5(AHR):c.2240A>G (p.Asn747Ser)

Gene: AHR (aryl hydrocarbon receptor; plus strand). Cytogenetic location: 7p21.1.
Variant type: single nucleotide variant.
Coding change: c.2240A>G on transcript NM_001621.5 (MANE Select); coding-DNA position 2240, A replaced by G.
Protein change: p.Asn747Ser; replaces asparagine 747 with serine.
Molecular consequence: missense variant.
Genome position (GRCh38, 1-based): chr7:17,340,065, A>G. VCF-style: chr7-17340065-A-G. GRCh37 (hg19) VCF-style: chr7-17379689-A-G.
Other names: short protein forms N747S.
Identifiers: ClinVar variation 2189319 (VCV002189319.1), dbSNP rs753910997, ClinGen allele CA4172247.